The following is an entry in ClinVar:

NM_017654.4(SAMD9):c.3224T>C (p.Ile1075Thr)

Gene: SAMD9 (sterile alpha motif domain containing 9; minus strand). Cytogenetic location: 7q21.2.
Variant type: single nucleotide variant.
Coding change: c.3224T>C on transcript NM_017654.4 (MANE Select); coding-DNA position 3224, T replaced by C.
Protein change: p.Ile1075Thr; replaces isoleucine 1075 with threonine.
Molecular consequence: missense variant.
Genome position (GRCh38, 1-based): chr7:93,102,874, A>G on the plus strand (T>C on the coding strand, the complement: SAMD9 is on the minus strand). VCF-style: chr7-93102874-A-G. GRCh37 (hg19) VCF-style: chr7-92732187-A-G.
Other names: c.3224T>C, p.Ile1075Thr (NM_001193307.2); short protein forms I1075T.
Identifiers: ClinVar variation 1469029 (VCV001469029.8), dbSNP rs2116415487, ClinGen allele CA368188494.
Genomic context (GRCh38, chr7:93,102,874, plus strand): 5'-TTAATGTAGAAATGTCTTGCCAACGCTTGGCAAATGAATGCATTTGGGTTGAACCGATGG[A>G]TACTTTCAAGCAATACAGCTTCAACTGCTTCATTTCCTTCATCTTTATGTAATGCTTCAA-3'
Protein context (NP_060124.2, residues 1065-1085): EAVEAVLLES[Ile1075Thr]HRFNPNAFIC

ClinVar aggregate classification (germline): Uncertain significance (1 of 4 stars; one submission).

Submission:

Labcorp Genetics (formerly Invitae), Labcorp
Classification: Uncertain significance. Last evaluated: 2023-09-03. Review status: criteria provided, single submitter. Criteria: Invitae Variant Classification Sherloc (09022015). Collection method: clinical testing. Allele origin: germline.
Comment: This sequence change replaces isoleucine, which is neutral and non-polar, with threonine, which is neutral and polar, at codon 1075 of the SAMD9 protein (p.Ile1075Thr). This variant is not present in population databases (gnomAD no frequency). This variant has not been reported in the literature in individuals affected with SAMD9-related conditions. ClinVar contains an entry for this variant (Variation ID: 1469029). Advanced modeling of protein sequence and biophysical properties (such as structural, functional, and spatial information, amino acid conservation, physicochemical variation, residue mobility, and thermodynamic stability) performed at Invitae indicates that this missense variant is not expected to disrupt SAMD9 protein function. In summary, the available evidence is currently insufficient to determine the role of this variant in disease. Therefore, it has been classified as a Variant of Uncertain Significance.